The following is an entry in ClinVar:

NM_002474.3(MYH11):c.4774A>C (p.Arg1592=)

Genes: MYH11 (myosin heavy chain 11; minus strand), NDE1 (nudE neurodevelopment protein 1; plus strand). Cytogenetic location: 16p13.11.
Variant type: single nucleotide variant.
Coding change: c.4774A>C on transcript NM_002474.3 (MANE Select); coding-DNA position 4774, A replaced by C.
Protein change: p.Arg1592=; no amino-acid change (arginine 1592 retained).
Molecular consequence: synonymous variant. On other transcripts: intron variant (2).
Genome position (GRCh38, 1-based): chr16:15,720,856, T>G on the plus strand (A>C on the coding strand, the complement: MYH11 is on the minus strand). VCF-style: chr16-15720856-T-G. GRCh37 (hg19) VCF-style: chr16-15814713-T-G.
Other names: c.4795A>C, p.Arg1599= (NM_001040113.2, NM_001040114.2); c.4774A>C, p.Arg1592= (NM_022844.3); c.948-3335T>G (NM_001143979.2, NM_017668.3).
Identifiers: ClinVar variation 264409 (VCV000264409.30), dbSNP rs114556043, ClinGen allele CA7921568.

ClinVar aggregate classification (germline): Benign/Likely benign. Review status: criteria provided, multiple submitters, no conflicts (2 of 4 stars). 9 submissions from 9 submitters: Benign (5); Likely benign (4). Last evaluated 2026-01-12.

Conditions:
Familial thoracic aortic aneurysm and aortic dissection (TAAD). Also called: Thoracic aortic aneurysms and dissections. Identifiers: Orphanet 91387, MedGen C4707243, MONDO:0019625.
Aortic aneurysm, familial thoracic 4 (AAT4). Also called: AORTIC ANEURYSM/AORTIC DISSECTION AND PATENT DUCTUS ARTERIOSUS. Identifiers: MedGen C1851504, MONDO:0007568, OMIM 132900.

Allele frequency attached by ClinVar (database versions not stated): TOPMed 0.00090; gnomAD 0.00093 and 0.00088; ESP Exome Variant Server 0.00100; 1000 Genomes Project 30x 0.00141; 1000 Genomes Project 0.00160; gnomAD exomes 0.00012 and 0.00025; ExAC 0.00031.
gnomAD v4.1: 312 of 1,613,766 alleles (0.019%); highest among the groups gnomAD compares: African/African-American, 0.35%; 1 homozygote.

Submissions (9):

Labcorp Genetics (formerly Invitae), Labcorp
Classification: Benign for Aortic aneurysm, familial thoracic 4. Last evaluated: 2026-01-12. Review status: criteria provided, single submitter. Criteria: Invitae Variant Classification Sherloc (09022015). Collection method: clinical testing. Allele origin: germline.

Blueprint Genetics
Classification: Likely benign. Last evaluated: 2024-09-02. Review status: criteria provided, single submitter. Criteria: ACMG Guidelines, 2015. Collection method: clinical testing. Allele origin: germline.

All of Us Research Program, National Institutes of Health
Classification: Benign for Familial thoracic aortic aneurysm and aortic dissection. Last evaluated: 2024-02-05. Review status: criteria provided, single submitter. Criteria: ACMG Guidelines, 2015. Collection method: clinical testing. Allele origin: germline. Inheritance: Autosomal dominant inheritance. Observed: 55 variant alleles, 55 heterozygotes.
Comment: This study involves interpretation of variants in research participants for the purpose of population health screening. Participant phenotype was not available at the time of variant classification. Additional details can be found in publication PMID: 35346344, PMCID: PMC8962531

ARUP Laboratories, Molecular Genetics and Genomics, ARUP Laboratories
Classification: Benign. Last evaluated: 2020-01-18. Review status: criteria provided, single submitter. Criteria: ARUP Molecular Germline Variant Investigation Process. Collection method: clinical testing. Allele origin: germline.

Color Diagnostics, LLC DBA Color Health
Classification: Benign for Familial thoracic aortic aneurysm and aortic dissection. Last evaluated: 2018-10-21. Review status: criteria provided, single submitter. Criteria: ACMG Guidelines, 2015. Collection method: clinical testing. Allele origin: germline.

GeneDx
Classification: Likely benign. Last evaluated: 2018-01-30. Review status: criteria provided, single submitter. Criteria: GeneDx Variant Classification (06012015). Collection method: clinical testing. Allele origin: germline. Affected: yes.
Comment: This variant is considered likely benign or benign based on one or more of the following criteria: it is a conservative change, it occurs at a poorly conserved position in the protein, it is predicted to be benign by multiple in silico algorithms, and/or has population frequency not consistent with disease.

CHEO Genetics Diagnostic Laboratory, Children's Hospital of Eastern Ontario
Classification: Benign for Familial thoracic aortic aneurysm and aortic dissection. Last evaluated: 2017-02-13. Review status: criteria provided, single submitter. Criteria: ACMG Guidelines, 2015. Collection method: clinical testing. Allele origin: germline. Study: Canadian Open Genetics Repository.

Ambry Genetics
Classification: Likely benign for Familial thoracic aortic aneurysm and aortic dissection. Last evaluated: 2015-11-02. Review status: criteria provided, single submitter. Criteria: Ambry Variant Classification Scheme 2023. Collection method: clinical testing. Allele origin: germline.

Breakthrough Genomics
Classification: Likely benign. Review status: criteria provided, single submitter. Criteria: ACMG Guidelines, 2015. Collection method: not provided. Allele origin: germline. Inheritance: Autosomal recessive inheritance. Affected: yes.